The following is an entry in ClinVar:

ClinVar aggregate classification (germline): Likely benign. Review status: criteria provided, multiple submitters, no conflicts (2 of 4 stars). 3 submissions from 3 submitters: Likely benign (3). Last evaluated 2026-03-26.

Conditions:
CNGB1-related disorder. Also called: CNGB1-related condition.

Allele frequency attached by ClinVar (database versions not stated): gnomAD exomes 0.00004 and 0.00008; ExAC 0.00009; gnomAD 0.00009 and 0.00010; ESP Exome Variant Server 0.00024.
gnomAD v4.1: 70 of 1,613,842 alleles (0.0043%); highest among the groups gnomAD compares: African/African-American, 0.025%; no homozygotes.

Submissions (3):

PreventionGenetics, part of Exact Sciences
Classification: Likely benign for CNGB1-related condition. Last evaluated: 2026-03-26. Review status: criteria provided, single submitter. Criteria: ACMG Guidelines, 2015. Collection method: clinical testing. Allele origin: germline.
Comment: This variant is classified as likely benign based on ACMG/AMP sequence variant interpretation guidelines (Richards et al. 2015 PMID: 25741868, with internal and published modifications).

Labcorp Genetics (formerly Invitae), Labcorp
Classification: Likely benign. Last evaluated: 2025-12-31. Review status: criteria provided, single submitter. Criteria: Invitae Variant Classification Sherloc (09022015). Collection method: clinical testing. Allele origin: germline.

Blueprint Genetics
Classification: Likely benign. Last evaluated: 2023-12-20. Review status: criteria provided, single submitter. Criteria: ACMG Guidelines, 2015. Collection method: clinical testing. Allele origin: germline.

NM_001297.5(CNGB1):c.2055G>A (p.Pro685=)

Gene: CNGB1 (cyclic nucleotide gated channel subunit beta 1; minus strand). Cytogenetic location: 16q21.
Variant type: single nucleotide variant.
Coding change: c.2055G>A on transcript NM_001297.5 (MANE Select); coding-DNA position 2055, G replaced by A.
Protein change: p.Pro685=; no amino-acid change (proline 685 retained).
Molecular consequence: synonymous variant.
Genome position (GRCh38, 1-based): chr16:57,917,379, C>T on the plus strand (G>A on the coding strand, the complement: CNGB1 is on the minus strand). VCF-style: chr16-57917379-C-T. GRCh37 (hg19) VCF-style: chr16-57951283-C-T.
Other names: c.2055G>A (NM_001297.4); c.2037G>A, p.Pro679= (NM_001286130.2).
Identifiers: ClinVar variation 1124374 (VCV001124374.11), dbSNP rs374574053, ClinGen allele CA8083187.